The following is an entry in ClinVar:

ClinVar aggregate classification (germline): Uncertain significance (1 of 4 stars; one submission).

Allele frequency attached by ClinVar (database versions not stated): gnomAD 0.00001.
gnomAD v4.1: 1 of 1,601,492 alleles (0.000062%); highest among the groups gnomAD compares: African/African-American, 0.0013%; no homozygotes.

Submission:

Labcorp Genetics (formerly Invitae), Labcorp
Classification: Uncertain significance. Last evaluated: 2025-06-12. Review status: criteria provided, single submitter. Criteria: Invitae Variant Classification Sherloc (09022015). Collection method: clinical testing. Allele origin: germline.
Comment: This sequence change replaces methionine, which is neutral and non-polar, with leucine, which is neutral and non-polar, at codon 797 of the NUP107 protein (p.Met797Leu). This variant is not present in population databases (gnomAD no frequency). This variant has not been reported in the literature in individuals affected with NUP107-related conditions. ClinVar contains an entry for this variant (Variation ID: 2043555). An algorithm developed to predict the effect of missense changes on protein structure and function (PolyPhen-2) suggests that this variant is likely to be tolerated. In summary, the available evidence is currently insufficient to determine the role of this variant in disease. Therefore, it has been classified as a Variant of Uncertain Significance.

NM_020401.4(NUP107):c.2389A>T (p.Met797Leu)

Gene: NUP107 (nucleoporin 107; plus strand). Cytogenetic location: 12q15.
Variant type: single nucleotide variant.
Coding change: c.2389A>T on transcript NM_020401.4 (MANE Select); coding-DNA position 2389, A replaced by T.
Protein change: p.Met797Leu; replaces methionine 797 with leucine.
Molecular consequence: missense variant.
Genome position (GRCh38, 1-based): chr12:68,735,231, A>T. VCF-style: chr12-68735231-A-T. GRCh37 (hg19) VCF-style: chr12-69129011-A-T.
Other names: c.2302A>T, p.Met768Leu (NM_001330192.2); short protein forms M797L, M768L.
Identifiers: ClinVar variation 2043555 (VCV002043555.4), dbSNP rs771067571, ClinGen allele CA385699218.